The following is an entry in ClinVar:

ClinVar aggregate classification (germline): Conflicting classifications of pathogenicity. Review status: criteria provided, conflicting classifications (1 of 4 stars). 2 submissions from 2 submitters: Uncertain significance (1); Likely benign (1). Last evaluated 2025-12-08.

Conditions:
Hereditary cancer-predisposing syndrome. Also called: Hereditary neoplastic syndrome; Hereditary Cancer Syndrome; Tumor predisposition; Neoplastic Syndromes, Hereditary. Identifiers: Orphanet 140162, MedGen C0027672, MeSH D009386, MONDO:0015356.
Tumor predisposition syndrome 3 (TPDS3). Also called: Glioma susceptibility 9; LONG TELOMERE SYNDROME, POT1-RELATED; POT1 Tumor Predisposition; Melanoma, cutaneous malignant, susceptibility to, 10. Identifiers: Orphanet 618, MedGen C4014476, MONDO:0014368, OMIM 615848.

Submissions (2):

Ambry Genetics
Classification: Likely benign for Hereditary cancer-predisposing syndrome. Last evaluated: 2025-12-08. Review status: criteria provided, single submitter. Criteria: Ambry Variant Classification Scheme 2023. Collection method: clinical testing. Allele origin: germline.

Labcorp Genetics (formerly Invitae), Labcorp
Classification: Uncertain significance for Tumor predisposition syndrome 3. Last evaluated: 2024-02-15. Review status: criteria provided, single submitter. Criteria: Invitae Variant Classification Sherloc (09022015). Collection method: clinical testing. Allele origin: germline.
Comment: This sequence change replaces alanine, which is neutral and non-polar, with glutamic acid, which is acidic and polar, at codon 6 of the POT1 protein (p.Ala6Glu). This variant is not present in population databases (gnomAD no frequency). This variant has not been reported in the literature in individuals affected with POT1-related conditions. ClinVar contains an entry for this variant (Variation ID: 2459222). Advanced modeling of protein sequence and biophysical properties (such as structural, functional, and spatial information, amino acid conservation, physicochemical variation, residue mobility, and thermodynamic stability) performed at Invitae indicates that this missense variant is not expected to disrupt POT1 protein function with a negative predictive value of 80%. In summary, the available evidence is currently insufficient to determine the role of this variant in disease. Therefore, it has been classified as a Variant of Uncertain Significance.

NM_015450.3(POT1):c.17C>A (p.Ala6Glu)

Gene: POT1 (protection of telomeres 1; minus strand). Cytogenetic location: 7q31.33.
Variant type: single nucleotide variant.
Coding change: c.17C>A on transcript NM_015450.3 (MANE Select); coding-DNA position 17, C replaced by A.
Protein change: p.Ala6Glu; replaces alanine 6 with glutamic acid.
Molecular consequence: missense variant. On other transcripts: 5 prime UTR variant (1), non-coding transcript variant (3).
Genome position (GRCh38, 1-based): chr7:124,892,373, G>T on the plus strand (C>A on the coding strand, the complement: POT1 is on the minus strand). VCF-style: chr7-124892373-G-T. GRCh37 (hg19) VCF-style: chr7-124532427-G-T.
Other names: c.-246C>A (NM_001042594.2); short protein forms A6E.
Identifiers: ClinVar variation 2459222 (VCV002459222.5), dbSNP rs1323783290, ClinGen allele CA369066316.